The following is an entry in ClinVar:

NM_153252.5(BRWD3):c.3034T>A (p.Ser1012Thr)

Gene: BRWD3 (bromodomain and WD repeat domain containing 3; minus strand). Cytogenetic location: Xq21.1.
Variant type: single nucleotide variant.
Coding change: c.3034T>A on transcript NM_153252.5 (MANE Select); coding-DNA position 3034, T replaced by A.
Protein change: p.Ser1012Thr; replaces serine 1012 with threonine.
Molecular consequence: missense variant.
Genome position (GRCh38, 1-based): chrX:80,696,773, A>T on the plus strand (T>A on the coding strand, the complement: BRWD3 is on the minus strand). VCF-style: chrX-80696773-A-T. GRCh37 (hg19) VCF-style: chrX-79952272-A-T.
Other names: short protein forms S1012T.
Identifiers: ClinVar variation 3777206 (VCV003777206.2).

ClinVar aggregate classification (germline): Uncertain significance. Review status: criteria provided, multiple submitters, no conflicts (2 of 4 stars). 2 submissions from 2 submitters: Uncertain significance (2). Last evaluated 2025-08-28.

Conditions:
Intellectual developmental disorder, X-linked 93. Also called: MENTAL RETARDATION, X-LINKED, WITH MACROCEPHALY; Intellectual disability, X-linked 93. Identifiers: MedGen C1970841, MONDO:0010393, OMIM 300659.
Inborn genetic diseases. Identifiers: MedGen C0950123, MeSH D030342.

Submissions (2):

Ambry Genetics
Classification: Uncertain significance for Inborn genetic diseases. Last evaluated: 2025-08-28. Review status: criteria provided, single submitter. Criteria: Ambry Variant Classification Scheme 2023. Collection method: clinical testing. Allele origin: germline.

University of Washington Department of Laboratory Medicine, University of Washington
Classification: Uncertain significance for Intellectual developmental disorder, X-linked 93. Last evaluated: 2022-07-11. Review status: criteria provided, single submitter. Criteria: ACMG Guidelines, 2015. Collection method: clinical testing. Allele origin: maternal. Affected: yes.
Comment: The p.Ser1012Thr variant in the BRWD3 gene has not been previously reported in association with disease. This variant was absent from large population databases, including the Genome Aggregation Database. In silico tools predict that the p.Ser1012Thr variant does not impact protein function; however, these predictions have not been tested directly. The serine at position 1012 is evolutionarily conserved in mammals, however several bird, fish, and lizard species have a threonine at this position. Using ACMG guidelines, this variant was classified as a variant of uncertain significance (ACMG evidence codes used: PM2_supporting, BP4).